The following is an entry in ClinVar:

NM_001367624.2(ZNF469):c.9268C>T (p.Arg3090Ter)

Gene: ZNF469 (zinc finger protein 469; plus strand). Cytogenetic location: 16q24.2.
Variant type: single nucleotide variant.
Coding change: c.9268C>T on transcript NM_001367624.2 (MANE Select); coding-DNA position 9268, C replaced by T.
Protein change: p.Arg3090Ter; replaces arginine 3090 with a stop codon.
Molecular consequence: nonsense.
Genome position (GRCh38, 1-based): chr16:88,436,738, C>T. VCF-style: chr16-88436738-C-T. GRCh37 (hg19) VCF-style: chr16-88503146-C-T.
Other names: short protein forms R3090*.
Identifiers: ClinVar variation 195115 (VCV000195115.10), dbSNP rs764139968, ClinGen allele CA201574.

ClinVar aggregate classification (germline): Pathogenic/Likely pathogenic. Review status: criteria provided, multiple submitters, no conflicts (2 of 4 stars). 4 submissions from 4 submitters: Pathogenic (2); Likely pathogenic (2). Last evaluated 2026-01-26.

Conditions:
Brittle cornea syndrome 1 (BCS1). Also called: CORNEAL FRAGILITY, KERATOGLOBUS, BLUE SCLERAE, JOINT HYPEREXTENSIBILITY; EDS6B; FRAGILITAS OCULI WITH JOINT HYPEREXTENSIBILITY; DYSGENESIS MESODERMALIS CORNEAE ET SCLERAE; Corneal fragility keratoglobus, blue sclerae AND joint hypermobility. Identifiers: Orphanet 90354, MedGen C0268344, MONDO:0024543, OMIM 229200.

Allele frequency attached by ClinVar (database versions not stated): TOPMed 0.00001.
gnomAD v4.1: 2 of 1,548,460 alleles (0.00013%); highest among the groups gnomAD compares: Non-Finnish European, 0.00017%; no homozygotes.

Submissions (4):

Labcorp Genetics (formerly Invitae), Labcorp
Classification: Pathogenic. Last evaluated: 2026-01-26. Review status: criteria provided, single submitter. Criteria: Invitae Variant Classification Sherloc (09022015). Collection method: clinical testing. Allele origin: germline.
Comment: This sequence change creates a premature translational stop signal (p.Arg3090*) in the ZNF469 gene. While this is not anticipated to result in nonsense mediated decay, it is expected to disrupt the last 864 amino acid(s) of the ZNF469 protein. This variant is not present in population databases (gnomAD no frequency). This variant has not been reported in the literature in individuals affected with ZNF469-related conditions. ClinVar contains an entry for this variant (Variation ID: 195115). This variant disrupts a region of the ZNF469 protein in which other variant(s) (p.Gln3178Argfs*23) have been determined to be pathogenic (PMID: 18452888; internal data). This suggests that this is a clinically significant region of the protein, and that variants that disrupt it are likely to be disease-causing. For these reasons, this variant has been classified as Pathogenic.

Fulgent Genetics
Classification: Likely pathogenic for Brittle cornea syndrome 1. Last evaluated: 2024-05-23. Review status: criteria provided, single submitter. Criteria: ACMG Guidelines, 2015. Collection method: clinical testing. Allele origin: germline.

Women's Health and Genetics/Laboratory Corporation of America, LabCorp
Classification: Likely pathogenic for Brittle cornea syndrome 1. Last evaluated: 2022-04-14. Review status: criteria provided, single submitter. Criteria: LabCorp Variant Classification Summary - May 2015. Collection method: clinical testing. Allele origin: germline.
Comment: Variant summary: ZNF469 c.9268C>T (p.Arg3090X) results in a premature termination codon, predicted to cause a truncation of the encoded protein or absence of the protein due to nonsense mediated decay, which are commonly known mechanisms for disease. Truncations downstream of this position have not been classified as pathogenic by our laboratory but are reported in association with Brittle Cornea Syndrome in the HGMD database. The variant was absent in 149116 control chromosomes. To our knowledge, no occurrence of c.9268C>T in individuals affected with Brittle Cornea Syndrome 1 and no experimental evidence demonstrating its impact on protein function have been reported. One clinical diagnostic laboratory has submitted clinical-significance assessments for this variant to ClinVar after 2014 without evidence for independent evaluation and classified the variant as pathogenic. Based on the evidence outlined above, the variant was classified as likely pathogenic.

Eurofins Ntd Llc (ga)
Classification: Pathogenic. Last evaluated: 2015-06-08. Review status: criteria provided, single submitter. Criteria: EGL Classification Definitions 2015. Collection method: clinical testing. Allele origin: germline. Observed: 2 variant alleles, 2 heterozygotes.

Literature cited by the submitters: PubMed 18452888 (cited by Labcorp Genetics (formerly Invitae), Labcorp).